The following is an entry in ClinVar:

ClinVar aggregate classification (germline): Conflicting classifications of pathogenicity. Review status: criteria provided, conflicting classifications (1 of 4 stars). 2 submissions from 2 submitters: Uncertain significance (1); Likely benign (1). Last evaluated 2024-04-30.

Conditions:
Idiopathic Pulmonary Fibrosis. Also called: Idiopathic fibrosing alveolitis, chronic form; idiopathic fibrosing alveolitis. Identifiers: Orphanet 2032, MedGen C1800706, MeSH D054990, MONDO:0800504.
Dyskeratosis congenita, autosomal dominant 2. Identifiers: MedGen C3151443, MONDO:0013521, OMIM 613989.
Dyskeratosis congenita. Identifiers: Orphanet 1775, MedGen C0265965, MONDO:0015780.

Allele frequency attached by ClinVar (database versions not stated): TOPMed below 0.00001.
gnomAD v4.1: 4 of 1,581,322 alleles (0.00025%); highest among the groups gnomAD compares: African/African-American, 0.0013%; no homozygotes.

Submissions (2):

Labcorp Genetics (formerly Invitae), Labcorp
Classification: Uncertain significance for Dyskeratosis congenita, autosomal dominant 2; Idiopathic Pulmonary Fibrosis. Last evaluated: 2024-04-30. Review status: criteria provided, single submitter. Criteria: Invitae Variant Classification Sherloc (09022015). Collection method: clinical testing. Allele origin: germline.
Comment: This sequence change replaces serine, which is neutral and polar, with asparagine, which is neutral and polar, at codon 229 of the TERT protein (p.Ser229Asn). This variant is not present in population databases (gnomAD no frequency). This variant has not been reported in the literature in individuals affected with TERT-related conditions. ClinVar contains an entry for this variant (Variation ID: 962149). Advanced modeling of protein sequence and biophysical properties (such as structural, functional, and spatial information, amino acid conservation, physicochemical variation, residue mobility, and thermodynamic stability) performed at Invitae indicates that this missense variant is not expected to disrupt TERT protein function with a negative predictive value of 80%. In summary, the available evidence is currently insufficient to determine the role of this variant in disease. Therefore, it has been classified as a Variant of Uncertain Significance.

Ambry Genetics
Classification: Likely benign for Dyskeratosis congenita. Last evaluated: 2022-03-20. Review status: criteria provided, single submitter. Criteria: Ambry Variant Classification Scheme 2023. Collection method: clinical testing. Allele origin: germline.

NM_198253.3(TERT):c.686G>A (p.Ser229Asn)

Gene: TERT (telomerase reverse transcriptase; minus strand). Cytogenetic location: 5p15.33.
Variant type: single nucleotide variant.
Coding change: c.686G>A on transcript NM_198253.3 (MANE Select); coding-DNA position 686, G replaced by A.
Protein change: p.Ser229Asn; replaces serine 229 with asparagine.
Molecular consequence: missense variant. On other transcripts: non-coding transcript variant (2).
Genome position (GRCh38, 1-based): chr5:1,294,200, C>T on the plus strand (G>A on the coding strand, the complement: TERT is on the minus strand). VCF-style: chr5-1294200-C-T. GRCh37 (hg19) VCF-style: chr5-1294315-C-T.
Other names: c.686G>A, p.Ser229Asn (NM_001193376.3); short protein forms S229N.
Identifiers: ClinVar variation 962149 (VCV000962149.12), dbSNP rs1751217170, ClinGen allele CA359057029.